The following is an entry in ClinVar:

ClinVar aggregate classification (germline): Uncertain significance (1 of 4 stars; one submission).

gnomAD v4.1: 1 of 1,562,514 alleles (0.000064%); highest among the groups gnomAD compares: Non-Finnish European, 0.000086%; no homozygotes.

Submission:

Ambry Genetics
Classification: Uncertain significance. Last evaluated: 2025-05-19. Review status: criteria provided, single submitter. Criteria: Ambry Variant Classification Scheme 2023. Collection method: clinical testing. Allele origin: germline.
Comment: The p.T1841I variant (also known as c.5522C>T), located in coding exon 22 of the WNK2 gene, results from a C to T substitution at nucleotide position 5522. The threonine at codon 1841 is replaced by isoleucine, an amino acid with similar properties. This amino acid position is conserved. In addition, this alteration is predicted to be tolerated by in silico analysis. Based on the available evidence, the clinical significance of this variant remains unclear.

NM_006648.4(WNK2):c.5522C>T (p.Thr1841Ile)

Gene: WNK2 (WNK lysine deficient protein kinase 2; plus strand). Cytogenetic location: 9q22.31.
Variant type: single nucleotide variant.
Coding change: c.5522C>T on transcript NM_006648.4 (MANE Select); coding-DNA position 5522, C replaced by T.
Protein change: p.Thr1841Ile; replaces threonine 1841 with isoleucine.
Molecular consequence: missense variant.
Genome position (GRCh38, 1-based): chr9:93,292,987, C>T. VCF-style: chr9-93292987-C-T. GRCh37 (hg19) VCF-style: chr9-96055269-C-T.
Other names: c.5633C>T, p.Thr1878Ile (NM_001282394.3); short protein forms T1841I, T1878I.
Identifiers: ClinVar variation 3982077 (VCV003982077.1).